The following is an entry in ClinVar:

NM_002496.4(NDUFS8):c.372+1G>A

Gene: NDUFS8 (NADH:ubiquinone oxidoreductase core subunit S8; plus strand). Cytogenetic location: 11q13.2.
Variant type: single nucleotide variant.
Coding change: c.372+1G>A on transcript NM_002496.4 (MANE Select); the canonical splice donor site of the intron after coding-DNA position 372, G replaced by A.
Molecular consequence: splice donor variant.
Genome position (GRCh38, 1-based): chr11:68,033,284, G>A. VCF-style: chr11-68033284-G-A. GRCh37 (hg19) VCF-style: chr11-67800751-G-A.
Identifiers: ClinVar variation 3063712 (VCV003063712.1), dbSNP rs2495581454, ClinGen allele CA381567500.

ClinVar aggregate classification (germline): Likely pathogenic (1 of 4 stars; one submission).

Conditions:
Mitochondrial complex I deficiency, nuclear type 2. Also called: Mitochondrial complex 1 deficiency, nuclear type 2. Identifiers: MedGen C4748737, MONDO:0032606, OMIM 618222.

gnomAD v4.1: 12 of 1,601,752 alleles (0.00075%); highest among the groups gnomAD compares: Non-Finnish European, 0.00093%; no homozygotes.

Submission:

Women's Health and Genetics/Laboratory Corporation of America, LabCorp
Classification: Likely pathogenic for Mitochondrial complex I deficiency, nuclear type 2. Last evaluated: 2024-01-30. Review status: criteria provided, single submitter. Criteria: LabCorp Variant Classification Summary - May 2015. Collection method: clinical testing. Allele origin: germline.
Comment: Variant summary: NDUFS8 c.372+1G>A is located in a canonical splice-site and is predicted to affect mRNA splicing resulting in a significantly altered protein due to either exon skipping, shortening, or inclusion of intronic material. Several computational tools predict a significant impact on normal splicing: Four predict the variant abolishes a 5' splicing donor site. However, these predictions have yet to be confirmed by functional studies. The variant allele was found at a frequency of 8.3e-06 in 1449436 control chromosomes (gnomAD v4.0.0). The available data on variant occurrences in the general population are insufficient to allow any conclusion about variant significance. To our knowledge, no occurrence of c.372+1G>A in individuals affected with Mitochondrial Complex 1 Deficiency, Nuclear Type 2 and no experimental evidence demonstrating its impact on protein function have been reported. No submitters have reported clinical-significance assessments for this variant to ClinVar. Based on the evidence outlined above, the variant was classified as likely pathogenic.